The following is an entry in ClinVar:

ClinVar aggregate classification (germline): Pathogenic. Review status: criteria provided, multiple submitters, no conflicts (2 of 4 stars). 4 submissions from 4 submitters: Pathogenic (4). Last evaluated 2025-07-15.

Conditions:
Hereditary cancer-predisposing syndrome. Also called: Tumor predisposition; Hereditary neoplastic syndrome; Neoplastic Syndromes, Hereditary; Hereditary Cancer Syndrome. Identifiers: Orphanet 140162, MedGen C0027672, MeSH D009386, MONDO:0015356.
ATM-related disorder. Also called: ATM-related disorders; ATM-related condition.
Familial cancer of breast. Also called: hereditary breast carcinoma; BREAST CANCER, FAMILIAL; Hereditary breast cancer. Identifiers: Orphanet 227535, MedGen C0346153, MONDO:0016419, OMIM 114480. Disease mechanism: loss of function.
Ataxia-telangiectasia syndrome (AT). Also called: Cerebello-oculocutaneous telangiectasia; Immunodeficiency with ataxia telangiectasia; LOUIS-BAR SYNDROME; AT, COMPLEMENTATION GROUP C; ATAXIA-TELANGIECTASIA, COMPLEMENTATION GROUP A; ATAXIA-TELANGIECTASIA, FRESNO VARIANT. Identifiers: Orphanet 100, MedGen C0004135, MONDO:0008840, OMIM 208900.

Submissions (4):

Ambry Genetics
Classification: Pathogenic for Hereditary cancer-predisposing syndrome. Last evaluated: 2025-07-15. Review status: criteria provided, single submitter. Criteria: Ambry Variant Classification Scheme 2023. Collection method: clinical testing. Allele origin: germline.
Comment: The c.4929delT pathogenic mutation, located in coding exon 32 of the ATM gene, results from a deletion of one nucleotide at nucleotide position 4929, causing a translational frameshift with a predicted alternate stop codon (p.M1644Wfs*2). This variant is considered to be rare based on population cohorts in the Genome Aggregation Database (gnomAD). This alteration is expected to result in loss of function by premature protein truncation or nonsense-mediated mRNA decay. As such, this alteration is interpreted as a disease-causing mutation.

Labcorp Genetics (formerly Invitae), Labcorp
Classification: Pathogenic for Ataxia-telangiectasia syndrome. Last evaluated: 2024-05-26. Review status: criteria provided, single submitter. Criteria: Invitae Variant Classification Sherloc (09022015). Collection method: clinical testing. Allele origin: germline.
Comment: This sequence change creates a premature translational stop signal (p.Met1644Trpfs*2) in the ATM gene. It is expected to result in an absent or disrupted protein product. Loss-of-function variants in ATM are known to be pathogenic (PMID: 23807571, 25614872). This variant is not present in population databases (gnomAD no frequency). This variant has not been reported in the literature in individuals affected with ATM-related conditions. ClinVar contains an entry for this variant (Variation ID: 941843). Algorithms developed to predict the effect of sequence changes on RNA splicing suggest that this variant may disrupt the consensus splice site. For these reasons, this variant has been classified as Pathogenic.

Myriad Genetics, Inc.
Classification: Pathogenic for Familial cancer of breast. Last evaluated: 2024-01-25. Review status: criteria provided, single submitter. Criteria: Myriad Autosomal Dominant, Autosomal Recessive and X-Linked Classification Criteria (2023). Collection method: clinical testing. Allele origin: unknown.
Comment: This variant is considered pathogenic. This variant creates a frameshift predicted to result in premature protein truncation.

PreventionGenetics, part of Exact Sciences
Classification: Pathogenic for ATM-related condition. Last evaluated: 2023-03-30. Review status: criteria provided, single submitter. Criteria: ACMG Guidelines, 2015. Collection method: clinical testing. Allele origin: germline.
Comment: The ATM c.4929delT variant is predicted to result in a frameshift and premature protein termination (p.Met1644Trpfs*2). To our knowledge, this variant has not been reported in the literature or in a large population database, indicating this variant is rare. It is interpreted as pathogenic in ClinVar. Frameshift variants in ATM are expected to be pathogenic. This variant is interpreted as pathogenic.

Literature cited by the submitters: PubMed 23807571 (cited by Labcorp Genetics (formerly Invitae), Labcorp); PubMed 25614872 (cited by Labcorp Genetics (formerly Invitae), Labcorp).

NM_000051.4(ATM):c.4929del (p.Met1644fs)

Gene: ATM (ATM serine/threonine kinase; plus strand). Cytogenetic location: 11q22.3.
Variant type: Deletion.
Coding change: c.4929del on transcript NM_000051.4 (MANE Select); coding-DNA position 4929, one base deleted (T; older notation c.4929delT).
Protein change: p.Met1644fs; shifts the reading frame from methionine 1644.
Molecular consequence: frameshift variant.
Genome position (GRCh38, 1-based): chr11:108,297,306, T deleted; the last of 2 consecutive T bases (chr11:108,297,305-108,297,306); deleting either gives the same sequence. VCF-style (leftmost placement, unchanged base first): chr11-108297304-AT-A. GRCh37 (hg19) VCF-style: chr11-108168031-AT-A.
Other names: c.4929del, p.Met1644fs (NM_001351834.2); c.4929delT (NM_000051.3); short protein forms M1644fs.
Identifiers: ClinVar variation 941843 (VCV000941843.10), dbSNP rs2083175858, ClinGen allele CA1139662310.